The following is an entry in ClinVar:

ClinVar aggregate classification (germline): Uncertain significance (1 of 4 stars; one submission).

gnomAD v4.1: 18 of 1,492,112 alleles (0.0012%); highest among the groups gnomAD compares: Non-Finnish European, 0.0017%; no homozygotes.

Submission:

Labcorp Genetics (formerly Invitae), Labcorp
Classification: Uncertain significance. Last evaluated: 2024-08-29. Review status: criteria provided, single submitter. Criteria: Invitae Variant Classification Sherloc (09022015). Collection method: clinical testing. Allele origin: germline.
Comment: This sequence change replaces isoleucine, which is neutral and non-polar, with threonine, which is neutral and polar, at codon 271 of the GHR protein (p.Ile271Thr). This variant is present in population databases (rs372323702, gnomAD 0.002%). This variant has not been reported in the literature in individuals affected with GHR-related conditions. Invitae Evidence Modeling of protein sequence and biophysical properties (such as structural, functional, and spatial information, amino acid conservation, physicochemical variation, residue mobility, and thermodynamic stability) indicates that this missense variant is not expected to disrupt GHR protein function with a negative predictive value of 80%. In summary, the available evidence is currently insufficient to determine the role of this variant in disease. Therefore, it has been classified as a Variant of Uncertain Significance.

NM_000163.5(GHR):c.812T>C (p.Ile271Thr)

Gene: GHR (growth hormone receptor; plus strand). Cytogenetic location: 5p12.
Variant type: single nucleotide variant.
Coding change: c.812T>C on transcript NM_000163.5 (MANE Select); coding-DNA position 812, T replaced by C.
Protein change: p.Ile271Thr; replaces isoleucine 271 with threonine.
Molecular consequence: missense variant.
Genome position (GRCh38, 1-based): chr5:42,713,456, T>C. VCF-style: chr5-42713456-T-C. GRCh37 (hg19) VCF-style: chr5-42713558-T-C.
Other names: c.833T>C, p.Ile278Thr (NM_001242399.2); c.812T>C, p.Ile271Thr (NM_001242400.2, NM_001242401.4, NM_001242402.2 and 5 more transcripts); c.746T>C, p.Ile249Thr (NM_001242460.2); short protein forms I249T, I271T, I278T.
Identifiers: ClinVar variation 3609147 (VCV003609147.2).
Genomic context (GRCh38, chr5:42,713,456, plus strand): 5'-ATTCTGAAAGCGAAATATTCTTGTGTGTTTCAGATTTCTACTTTCCATGGCTCTTAATTA[T>C]TATCTTTGGAATATTTGGGCTAACAGTGATGCTATTTGTATTCTTATTTTCTAAACAGCA-3'
Protein context (NP_000154.1, residues 261-281): EDFYFPWLLI[Ile271Thr]IFGIFGLTVM